The following is an entry in ClinVar:

ClinVar aggregate classification (germline): Uncertain significance (1 of 4 stars; one submission).

Conditions:
Progressive sclerosing poliodystrophy (MTDPS4A). Also called: Mitochondrial DNA depletion syndrome 4A (Alpers type); ALPERS PROGRESSIVE INFANTILE POLIODYSTROPHY; NEURONAL DEGENERATION OF CHILDHOOD WITH LIVER DISEASE, PROGRESSIVE; Mitochondrial DNA Depletion Syndrome 4A; Alpers-Huttenlocher Syndrome (AHS); Alpers Syndrome. Identifiers: Orphanet 726, MedGen C0205710, MONDO:0008758, OMIM 203700.

Allele frequency attached by ClinVar (database versions not stated): gnomAD exomes below 0.00001; gnomAD 0.00001 and 0.00002; TOPMed 0.00003.
gnomAD v4.1: 4 of 1,614,072 alleles (0.00025%); highest among the groups gnomAD compares: African/African-American, 0.0027%; no homozygotes.

Submission:

Labcorp Genetics (formerly Invitae), Labcorp
Classification: Uncertain significance for Progressive sclerosing poliodystrophy. Last evaluated: 2024-08-11. Review status: criteria provided, single submitter. Criteria: Invitae Variant Classification Sherloc (09022015). Collection method: clinical testing. Allele origin: germline.
Comment: This sequence change replaces alanine, which is neutral and non-polar, with valine, which is neutral and non-polar, at codon 510 of the POLG protein (p.Ala510Val). This variant is present in population databases (no rsID available, gnomAD 0.008%). This variant has not been reported in the literature in individuals affected with POLG-related conditions. ClinVar contains an entry for this variant (Variation ID: 1400282). Advanced modeling of protein sequence and biophysical properties (such as structural, functional, and spatial information, amino acid conservation, physicochemical variation, residue mobility, and thermodynamic stability) performed at Invitae indicates that this missense variant is not expected to disrupt POLG protein function with a negative predictive value of 95%. In summary, the available evidence is currently insufficient to determine the role of this variant in disease. Therefore, it has been classified as a Variant of Uncertain Significance.

NM_002693.3(POLG):c.1529C>T (p.Ala510Val)

Gene: POLG (DNA polymerase gamma, catalytic subunit; minus strand). Cytogenetic location: 15q26.1.
Variant type: single nucleotide variant.
Coding change: c.1529C>T on transcript NM_002693.3 (MANE Select); coding-DNA position 1529, C replaced by T.
Protein change: p.Ala510Val; replaces alanine 510 with valine.
Molecular consequence: missense variant.
Genome position (GRCh38, 1-based): chr15:89,326,968, G>A on the plus strand (C>T on the coding strand, the complement: POLG is on the minus strand). VCF-style: chr15-89326968-G-A. GRCh37 (hg19) VCF-style: chr15-89870199-G-A.
Other names: c.1529C>T, p.Ala510Val (NM_001126131.2); short protein forms A510V.
Identifiers: ClinVar variation 1400282 (VCV001400282.10), dbSNP rs1252604834, ClinGen allele CA393760811.